The following is an entry in ClinVar:

NM_000512.5(GALNS):c.281G>T (p.Arg94Leu)

Gene: GALNS (galactosamine (N-acetyl)-6-sulfatase; minus strand). Cytogenetic location: 16q24.3.
Variant type: single nucleotide variant.
Coding change: c.281G>T on transcript NM_000512.5 (MANE Select); coding-DNA position 281, G replaced by T.
Protein change: p.Arg94Leu; replaces arginine 94 with leucine.
Molecular consequence: missense variant. On other transcripts: 5 prime UTR variant (1).
Genome position (GRCh38, 1-based): chr16:88,841,935, C>A on the plus strand (G>T on the coding strand, the complement: GALNS is on the minus strand). VCF-style: chr16-88841935-C-A. GRCh37 (hg19) VCF-style: chr16-88908343-C-A.
Other names: c.-275G>T (NM_001323543.2); c.299G>T, p.Arg100Leu (NM_001323544.2); c.281G>T (NM_000512.4); short protein forms R100L, R94L.
Identifiers: ClinVar variation 1048177 (VCV001048177.5), dbSNP rs727503946, ClinGen allele CA397089230.

ClinVar aggregate classification (germline): Pathogenic/Likely pathogenic. Review status: criteria provided, multiple submitters, no conflicts (2 of 4 stars). 3 submissions from 3 submitters: Pathogenic (2); Likely pathogenic (1). Last evaluated 2023-07-26.

Conditions:
Morquio syndrome. Also called: Mucopolysaccharidosis, Type IV; MPS IV; Mucopolysaccharidosis type 4; Eccentrochondrodysplasia. Identifiers: Orphanet 582, MedGen C0026707, MONDO:0018938.
Mucopolysaccharidosis, MPS-IV-A (MPS4A). Also called: Mucopolysaccharidosis type IV A; Mucopolysaccharidosis Type IVA; Morquio syndrome A, mild; MORQUIO SYNDROME A; MPS IVA; mucopolysaccharidosis type 4A. Identifiers: Orphanet 309297, Orphanet 582, MedGen C0086651, MONDO:0009659, OMIM 253000.

Submissions (3):

Women's Health and Genetics/Laboratory Corporation of America, LabCorp
Classification: Pathogenic for Morquio syndrome. Last evaluated: 2023-07-26. Review status: criteria provided, single submitter. Criteria: LabCorp Variant Classification Summary - May 2015. Collection method: clinical testing. Allele origin: germline.
Comment: Variant summary: GALNS c.281G>T (p.Arg94Leu) results in a non-conservative amino acid change located in the Sulfatase, N-terminal domain (IPR000917) of the encoded protein sequence. Five of five in-silico tools predict a damaging effect of the variant on protein function. The variant was absent in 247782 control chromosomes (gnomAD). c.281G>T has been reported in the literature in multiple individuals affected with Mucopolysaccharidosis Type IVA (Morquio Syndrome A) (examples: Tomatsu_2005, Morrone_2014, Bochernistan_Meta Gene_2018 ). These data indicate that the variant is very likely to be associated with disease. The following publications have been ascertained in the context of this evaluation (PMID: 24726177, 16287098). Two submitters have cited clinical-significance assessments for this variant to ClinVar after 2014. All submitters classified the variant as pathogenic/likely pathogenic. Based on the evidence outlined above, the variant was classified as pathogenic.

Mendelics
Classification: Pathogenic for Mucopolysaccharidosis, MPS-IV-A. Last evaluated: 2022-05-04. Review status: criteria provided, single submitter. Criteria: Mendelics Assertion Criteria 2019. Collection method: clinical testing. Allele origin: germline.

Laboratory of Diagnosis and Therapy of Lysosomal Disorders, University of Padova
Classification: Likely pathogenic for Mucopolysaccharidosis, MPS-IV-A. Last evaluated: 2021-02-01. Review status: criteria provided, single submitter. Criteria: ACMG Guidelines, 2015. Collection method: research. Allele origin: germline. Affected: yes.
Comment: In vivo functional studies supportive of a damaging effect on the gene product (low to null enzymatic activity in homozygotes; PS3_supporting); the prevalence of the variant in affected individuals is significantly increased compared with the prevalence in controls (PS4_moderate); absent from gnomAD v2.1.1 (PM2_moderate); multiple lines of computational evidence support a deleterious effect on the gene (PP3_supporting)

Literature cited by the submitters: PubMed 24726177 (cited by Women's Health and Genetics/Laboratory Corporation of America, LabCorp and Laboratory of Diagnosis and Therapy of Lysosomal Disorders, University of Padova); PubMed 16287098 (cited by Women's Health and Genetics/Laboratory Corporation of America, LabCorp and Laboratory of Diagnosis and Therapy of Lysosomal Disorders, University of Padova); PubMed 34387910 (cited by Laboratory of Diagnosis and Therapy of Lysosomal Disorders, University of Padova).